The following is an entry in ClinVar:

ClinVar aggregate classification (germline): Uncertain significance (1 of 4 stars; one submission).

Conditions:
GABBR1-related condition.

gnomAD v4.1: 3 of 1,541,266 alleles (0.00019%); highest among the groups gnomAD compares: Non-Finnish European, 0.00026%; no homozygotes.

Submission:

PreventionGenetics, part of Exact Sciences
Classification: Uncertain significance for GABBR1-related condition. Last evaluated: 2024-10-25. Review status: criteria provided, single submitter. Criteria: ACMG Guidelines, 2015. Collection method: clinical testing. Allele origin: germline.
Comment: The GABBR1 c.130C>T variant is predicted to result in the amino acid substitution p.Pro44Ser. To our knowledge, this variant has not been reported in the literature. This variant is reported in 0.0036% of alleles in individuals of European (Non-Finnish) descent in gnomAD. At this time, the clinical significance of this variant is uncertain due to the absence of conclusive functional and genetic evidence.

NM_001470.4(GABBR1):c.497-16C>T

Gene: GABBR1 (gamma-aminobutyric acid type B receptor subunit 1; minus strand). Cytogenetic location: 6p22.1.
Variant type: single nucleotide variant.
Coding change: c.497-16C>T on transcript NM_001470.4 (MANE Select); 16 bases into the intron before coding-DNA position 497, C replaced by T.
Molecular consequence: intron variant. On other transcripts: missense variant (1).
Genome position (GRCh38, 1-based): chr6:29,627,662, G>A on the plus strand (C>T on the coding strand, the complement: GABBR1 is on the minus strand). VCF-style: chr6-29627662-G-A. GRCh37 (hg19) VCF-style: chr6-29595439-G-A.
Other names: c.130C>T, p.Pro44Ser (NM_021903.3); c.311-16C>T (NM_021904.4); c.-35-16C>T (NM_001319053.2); short protein forms P44S.
Identifiers: ClinVar variation 4977045 (VCV004977045.1).